The following is an entry in ClinVar:

NM_015512.5(DNAH1):c.11121G>C (p.Gln3707His)

Gene: DNAH1 (dynein axonemal heavy chain 1; plus strand). Cytogenetic location: 3p21.1.
Variant type: single nucleotide variant.
Coding change: c.11121G>C on transcript NM_015512.5 (MANE Select); coding-DNA position 11121, G replaced by C.
Protein change: p.Gln3707His; replaces glutamine 3707 with histidine.
Molecular consequence: missense variant.
Genome position (GRCh38, 1-based): chr3:52,395,460, G>C. VCF-style: chr3-52395460-G-C. GRCh37 (hg19) VCF-style: chr3-52429476-G-C.
Other names: short protein forms Q3707H.
Identifiers: ClinVar variation 4783042 (VCV004783042.1).

ClinVar aggregate classification (germline): Uncertain significance (1 of 4 stars; one submission).

Conditions:
Spermatogenic failure 18. Identifiers: MedGen C4539783, MONDO:0054615, OMIM 617576.
Ciliary dyskinesia, primary, 37 (CILD37). Also called: CILIARY DYSKINESIA, PRIMARY, 37, WITH OR WITHOUT SITUS INVERSUS. Identifiers: MedGen C4539798, MONDO:0033204, OMIM 617577.

Submission:

Labcorp Genetics (formerly Invitae), Labcorp
Classification: Uncertain significance for Ciliary dyskinesia, primary, 37; Spermatogenic failure 18. Last evaluated: 2026-02-01. Review status: criteria provided, single submitter. Criteria: Invitae Variant Classification Sherloc (09022015). Collection method: clinical testing. Allele origin: germline.
Comment: This sequence change replaces glutamine, which is neutral and polar, with histidine, which is basic and polar, at codon 3707 of the DNAH1 protein (p.Gln3707His). This variant is not present in population databases (gnomAD no frequency). This variant has not been reported in the literature in individuals affected with DNAH1-related conditions. Invitae Evidence Modeling of protein sequence and biophysical properties (such as structural, functional, and spatial information, amino acid conservation, physicochemical variation, residue mobility, and thermodynamic stability) has been performed for this missense variant. However, the output from this modeling did not meet the statistical confidence thresholds required to predict the impact of this variant on DNAH1 protein function. In summary, the available evidence is currently insufficient to determine the role of this variant in disease. Therefore, it has been classified as a Variant of Uncertain Significance.